The following is an entry in ClinVar:

NM_001015880.2(PAPSS2):c.883G>A (p.Gly295Ser)

Gene: PAPSS2 (3'-phosphoadenosine 5'-phosphosulfate synthase 2; plus strand). Cytogenetic location: 10q23.31.
Variant type: single nucleotide variant.
Coding change: c.883G>A on transcript NM_001015880.2 (MANE Select); coding-DNA position 883, G replaced by A.
Protein change: p.Gly295Ser; replaces glycine 295 with serine.
Molecular consequence: missense variant.
Genome position (GRCh38, 1-based): chr10:87,727,286, G>A. VCF-style: chr10-87727286-G-A. GRCh37 (hg19) VCF-style: chr10-89487043-G-A.
Other names: c.868G>A, p.Gly290Ser (NM_004670.4); short protein forms G290S, G295S.
Identifiers: ClinVar variation 1022650 (VCV001022650.7), dbSNP rs544558219, ClinGen allele CA5589600.
Genomic context (GRCh38, chr10:87,727,286, plus strand): 5'-CTTCAAGGATGGCACACCTTATATCTAGTTTTCGTGCATCACATGGCTCTTTCCACAGAT[G>A]GCGTGATCAACATGAGCATCCCCATTGTACTGCCCGTCTCTGCAGAGGATAAGACACGGC-3'
Protein context (NP_001015880.1, residues 285-305): TLLDGMALPD[Gly295Ser]VINMSIPIVL

ClinVar aggregate classification (germline): Uncertain significance (1 of 4 stars; one submission).

Conditions:
Spondyloepimetaphyseal dysplasia, PAPSS2 type. Also called: SEMD, PAKISTANI TYPE; SPONDYLODYSPLASIA AND PREMATURE PUBARCHE; BRACHYOLMIA TYPE 4 WITH MILD EPIPHYSEAL AND METAPHYSEAL CHANGES. Identifiers: Orphanet 93282, MedGen C2748516, MONDO:0019666, OMIM 612847.

Allele frequency attached by ClinVar (database versions not stated): gnomAD 0.00001; gnomAD exomes 0.00001 and 0.00002; TOPMed 0.00001; ExAC 0.00002; 1000 Genomes Project 30x 0.00016; 1000 Genomes Project 0.00020.

Submission:

Labcorp Genetics (formerly Invitae), Labcorp
Classification: Uncertain significance for Spondyloepimetaphyseal dysplasia, PAPSS2 type. Last evaluated: 2025-03-17. Review status: criteria provided, single submitter. Criteria: Invitae Variant Classification Sherloc (09022015). Collection method: clinical testing. Allele origin: germline.
Comment: This sequence change replaces glycine, which is neutral and non-polar, with serine, which is neutral and polar, at codon 295 of the PAPSS2 protein (p.Gly295Ser). This variant is present in population databases (rs544558219, gnomAD 0.01%). This variant has not been reported in the literature in individuals affected with PAPSS2-related conditions. ClinVar contains an entry for this variant (Variation ID: 1022650). An algorithm developed to predict the effect of missense changes on protein structure and function (PolyPhen-2) suggests that this variant is likely to be disruptive. Algorithms developed to predict the effect of sequence changes on RNA splicing suggest that this variant may create or strengthen a splice site. In summary, the available evidence is currently insufficient to determine the role of this variant in disease. Therefore, it has been classified as a Variant of Uncertain Significance.